The following is an entry in ClinVar:

NM_177438.3(DICER1):c.5364+3T>C

Gene: DICER1 (dicer 1, ribonuclease III; minus strand). Cytogenetic location: 14q32.13.
Variant type: single nucleotide variant.
Coding change: c.5364+3T>C on transcript NM_177438.3 (MANE Select); 3 bases into the intron after coding-DNA position 5364, T replaced by C.
Molecular consequence: intron variant.
Genome position (GRCh38, 1-based): chr14:95,093,885, A>G on the plus strand (T>C on the coding strand, the complement: DICER1 is on the minus strand). VCF-style: chr14-95093885-A-G. GRCh37 (hg19) VCF-style: chr14-95560222-A-G.
Other names: c.5364+3T>C (NM_001291628.2, NM_030621.4, NM_001271282.3 and 1 more transcripts).
Identifiers: ClinVar variation 666038 (VCV000666038.8), dbSNP rs1595329213, ClinGen allele CA915946356.

ClinVar aggregate classification (germline): Uncertain significance (1 of 4 stars; one submission).

Conditions:
DICER1-related tumor predisposition. Also called: DICER1 syndrome; DICER1-related pleuropulmonary blastoma cancer predisposition syndrome. Identifiers: Orphanet 284343, MedGen C3839822, MONDO:0100216.

Submission:

Labcorp Genetics (formerly Invitae), Labcorp
Classification: Uncertain significance for DICER1-related tumor predisposition. Last evaluated: 2024-11-05. Review status: criteria provided, single submitter. Criteria: Invitae Variant Classification Sherloc (09022015). Collection method: clinical testing. Allele origin: germline.
Comment: This sequence change falls in intron 24 of the DICER1 gene. It does not directly change the encoded amino acid sequence of the DICER1 protein. It affects a nucleotide within the consensus splice site. This variant is not present in population databases (gnomAD no frequency). This variant has not been reported in the literature in individuals affected with DICER1-related conditions. ClinVar contains an entry for this variant (Variation ID: 666038). Variants that disrupt the consensus splice site are a relatively common cause of aberrant splicing (PMID: 17576681, 9536098). Algorithms developed to predict the effect of sequence changes on RNA splicing suggest that this variant is not likely to affect RNA splicing. In summary, the available evidence is currently insufficient to determine the role of this variant in disease. Therefore, it has been classified as a Variant of Uncertain Significance.

Literature cited by the submitters: PubMed 17576681; PubMed 9536098.